The following is an entry in ClinVar:

NC_000002.12:g.(?_44299971)_(44318104_?)del

Genes: PREPL (prolyl endopeptidase like; minus strand), SLC3A1 (solute carrier family 3 member 1; plus strand). Cytogenetic location: 2p21.
Variant type: Deletion.
Identifiers: ClinVar variation 832151 (VCV000832151.1).

ClinVar aggregate classification (germline): Pathogenic (1 of 4 stars; one submission).

Conditions:
Cystinuria (CSNU). Also called: CYSTINURIA, TYPE I; CYSTINURIA, TYPE II; CYSTINURIA, TYPE III; Cystinuria, non-type I. Identifiers: Orphanet 214, MedGen C0010691, MONDO:0009067, OMIM 220100, HP:0003131.

Submission:

Labcorp Genetics (formerly Invitae), Labcorp
Classification: Pathogenic for Cystinuria. Last evaluated: 2019-10-10. Review status: criteria provided, single submitter. Criteria: Invitae Variant Classification Sherloc (09022015). Collection method: clinical testing. Allele origin: germline.
Comment: This variant is an in-frame deletion of the genomic region encompassing exons 5-9 of the SLC3A1 gene. It preserves the integrity of the reading frame. This variant has not been reported in the literature in individuals with SLC3A1-related conditions. Sub-genic deletion of 6-7 has been determined to be pathogenic (PMID: 28646536). Therefore, deletions that fully encompass that region are also expected to be pathogenic. This variant disrupts the p.Met467 amino acid residue in SLC3A1. Other variant(s) that disrupt this residue have been determined to be pathogenic (PMID: 8054986, 21677404, 8792820, 23532419). This suggests that this residue is clinically significant, and that variants that disrupt this residue are likely to be disease-causing. For these reasons, this variant has been classified as Pathogenic.

Literature cited by the submitters: PubMed 28646536; PubMed 21677404; PubMed 8792820; PubMed 8054986; PubMed 23532419.